The following is an entry in ClinVar:

ClinVar aggregate classification (germline): Uncertain significance. Review status: criteria provided, multiple submitters, no conflicts (2 of 4 stars). 4 submissions from 4 submitters: Uncertain significance (3). 1 of the submissions does not count toward it. Last evaluated 2026-02-02.

Conditions:
CARD8-related disorder. Also called: CARD8-related condition.

Allele frequency attached by ClinVar (database versions not stated): 1000 Genomes Project 0.00020; 1000 Genomes Project 30x 0.00031; gnomAD exomes 0.00040 and 0.00068; ExAC 0.00042; gnomAD 0.00044; ESP Exome Variant Server 0.00054; TOPMed 0.00059.

Submissions (4):

Labcorp Genetics (formerly Invitae), Labcorp
Classification: Uncertain significance. Last evaluated: 2026-02-02. Review status: criteria provided, single submitter. Criteria: Invitae Variant Classification Sherloc (09022015). Collection method: clinical testing. Allele origin: germline.
Comment: This sequence change replaces proline, which is neutral and non-polar, with threonine, which is neutral and polar, at codon 275 of the CARD8 protein (p.Pro275Thr). This variant is present in population databases (rs139160093, gnomAD 0.07%), and has an allele count higher than expected for a pathogenic variant. This variant has not been reported in the literature in individuals affected with CARD8-related conditions. ClinVar contains an entry for this variant (Variation ID: 1403319). An algorithm developed to predict the effect of missense changes on protein structure and function (PolyPhen-2) suggests that this variant is likely to be tolerated. In summary, the available evidence is currently insufficient to determine the role of this variant in disease. Therefore, it has been classified as a Variant of Uncertain Significance.

Ambry Genetics
Classification: Uncertain significance. Last evaluated: 2021-10-12. Review status: criteria provided, single submitter. Criteria: Ambry Variant Classification Scheme 2023. Collection method: clinical testing. Allele origin: germline.

Breakthrough Genomics
Classification: Uncertain significance. Review status: criteria provided, single submitter. Criteria: ACMG Guidelines, 2015. Collection method: not provided. Allele origin: germline. Inheritance: Autosomal dominant inheritance. Affected: yes.

PreventionGenetics, part of Exact Sciences
Classification: Likely benign for CARD8-related condition. Last evaluated: 2023-10-05. Review status: no assertion criteria provided. Collection method: clinical testing. Allele origin: germline. Not counted in ClinVar's aggregate classification.
Comment: This variant is classified as likely benign based on ACMG/AMP sequence variant interpretation guidelines (Richards et al. 2015 PMID: 25741868, with internal and published modifications).

NM_001184900.3(CARD8):c.973C>A (p.Pro325Thr)

Gene: CARD8 (caspase recruitment domain family member 8; minus strand). Cytogenetic location: 19q13.33.
Variant type: single nucleotide variant.
Coding change: c.973C>A on transcript NM_001184900.3 (MANE Select); coding-DNA position 973, C replaced by A.
Protein change: p.Pro325Thr; replaces proline 325 with threonine.
Molecular consequence: missense variant. On other transcripts: non-coding transcript variant (4).
Genome position (GRCh38, 1-based): chr19:48,230,500, G>T on the plus strand (C>A on the coding strand, the complement: CARD8 is on the minus strand). VCF-style: chr19-48230500-G-T. GRCh37 (hg19) VCF-style: chr19-48733757-G-T.
Other names: c.973C>A (NM_001184900.1); c.823C>A, p.Pro275Thr (NM_001184901.1, NM_001351783.2, NM_001351788.2 and 2 more transcripts); c.973C>A, p.Pro325Thr (NM_001184902.2, NM_001184903.1, NM_001351782.2); c.658C>A, p.Pro220Thr (NM_001351784.2, NM_001351787.2, NM_001351791.2 and 1 more transcripts); c.637C>A, p.Pro213Thr (NM_001351786.2); c.730C>A, p.Pro244Thr (NM_001351790.2); c.655C>A, p.Pro219Thr (NM_001365950.1); short protein forms P275T, P213T, P244T, P220T, P325T, P219T.
Identifiers: ClinVar variation 1403319 (VCV001403319.10), dbSNP rs139160093, ClinGen allele CA9547861.